The following is an entry in ClinVar:

NM_005557.4(KRT16):c.699C>T (p.Ala233=)

Gene: KRT16 (keratin 16; minus strand). Cytogenetic location: 17q21.2.
Variant type: single nucleotide variant.
Coding change: c.699C>T on transcript NM_005557.4 (MANE Select); coding-DNA position 699, C replaced by T.
Protein change: p.Ala233=; no amino-acid change (alanine 233 retained).
Molecular consequence: synonymous variant.
Genome position (GRCh38, 1-based): chr17:41,611,417, G>A on the plus strand (C>T on the coding strand, the complement: KRT16 is on the minus strand). VCF-style: chr17-41611417-G-A. GRCh37 (hg19) VCF-style: chr17-39767669-G-A.
Other names: c.699C>T (NM_005557.3).
Identifiers: ClinVar variation 2730334 (VCV002730334.5), dbSNP rs138889840, ClinGen allele CA8563157.

ClinVar aggregate classification (germline): Benign. Review status: criteria provided, single submitter (1 of 4 stars). 2 submissions from 2 submitters: Benign (1). 1 of the submissions does not count toward it. Last evaluated 2023-09-19.

Conditions:
KRT16-related disorder. Also called: KRT16-related condition.

Allele frequency attached by ClinVar (database versions not stated): gnomAD exomes 0.00006; 1000 Genomes Project 0.00020; ExAC 0.00021; 1000 Genomes Project 30x 0.00031; gnomAD 0.00077; TOPMed 0.00082; ESP Exome Variant Server 0.00115.
gnomAD v4.1: 217 of 1,614,226 alleles (0.013%); highest among the groups gnomAD compares: African/African-American, 0.24%; no homozygotes.

Submissions (2):

Labcorp Genetics (formerly Invitae), Labcorp
Classification: Benign. Last evaluated: 2023-09-19. Review status: criteria provided, single submitter. Criteria: Invitae Variant Classification Sherloc (09022015). Collection method: clinical testing. Allele origin: germline.

PreventionGenetics, part of Exact Sciences
Classification: Likely benign for KRT16-related condition. Last evaluated: 2019-06-05. Review status: no assertion criteria provided. Collection method: clinical testing. Allele origin: germline. Not counted in ClinVar's aggregate classification.
Comment: This variant is classified as likely benign based on ACMG/AMP sequence variant interpretation guidelines (Richards et al. 2015 PMID: 25741868, with internal and published modifications).